The following is an entry in ClinVar:

NM_006739.4(MCM5):c.2192_*5dup (p.Tyr731_Ter(735_?)(?))

Gene: MCM5 (minichromosome maintenance complex component 5; plus strand). Cytogenetic location: 22q12.3.
Variant type: Duplication.
Molecular consequence: frameshift variant, no sequence alteration (on NM_006739.4).
Genome position: GRCh38 VCF-style: chr22-35424241-T-TACCGCCTCAAGTGAGTCGC. GRCh37 (hg19) VCF-style: chr22-35820234-T-TACCGCCTCAAGTGAGTCGC.
Other names: c.2192_*5dup, p.Tyr731_Ter(735_?)(?) (NM_006739.4).
Identifiers: ClinVar variation 2078053 (VCV002078053.4), dbSNP rs1303279804, ClinGen allele CA639123777.

ClinVar aggregate classification (germline): Uncertain significance (1 of 4 stars; one submission).

Allele frequency attached by ClinVar (database versions not stated): gnomAD exomes 0.00001; gnomAD 0.00003.

Submission:

Labcorp Genetics (formerly Invitae), Labcorp
Classification: Uncertain significance. Last evaluated: 2022-06-23. Review status: criteria provided, single submitter. Criteria: Invitae Variant Classification Sherloc (09022015). Collection method: clinical testing. Allele origin: germline.
Comment: In summary, the available evidence is currently insufficient to determine the role of this variant in disease. Therefore, it has been classified as a Variant of Uncertain Significance. Experimental studies and prediction algorithms are not available or were not evaluated, and the functional significance of this variant is currently unknown. This variant has not been reported in the literature in individuals affected with MCM5-related conditions. This variant is present in population databases (no rsID available, gnomAD 0.01%). This variant occurs in a non-coding region of the MCM5 gene. It does not change the encoded amino acid sequence of the MCM5 protein.